The following is an entry in ClinVar:

NM_020458.4(TTC7A):c.1641+1G>A

Gene: TTC7A (tetratricopeptide repeat domain 7A; plus strand). Cytogenetic location: 2p21.
Variant type: single nucleotide variant.
Coding change: c.1641+1G>A on transcript NM_020458.4 (MANE Select); the canonical splice donor site of the intron after coding-DNA position 1641, G replaced by A.
Molecular consequence: splice donor variant.
Genome position (GRCh38, 1-based): chr2:47,024,360, G>A. VCF-style: chr2-47024360-G-A. GRCh37 (hg19) VCF-style: chr2-47251499-G-A.
Other names: c.1539+1G>A (NM_001288953.2); c.1641+1G>A (NM_001288951.2); c.579+1G>A (NM_001288955.2).
Identifiers: ClinVar variation 1878302 (VCV001878302.4), dbSNP rs1181654735, ClinGen allele CA346716450.

ClinVar aggregate classification (germline): Likely pathogenic. Review status: criteria provided, multiple submitters, no conflicts (2 of 4 stars). 2 submissions from 2 submitters: Likely pathogenic (2). Last evaluated 2023-11-18.

Conditions:
Gastrointestinal defect and immunodeficiency syndrome. Also called: Gastrointestinal defects and immunodeficiency syndrome. Identifiers: MedGen C5234880, MONDO:0030831.
Multiple gastrointestinal atresias. Also called: FAMILIAL INTESTINAL POLYATRESIA SYNDROME; Multiple intestinal atresia. Identifiers: Orphanet 2300, MedGen C0220744, MONDO:0009465.

Submissions (2):

Labcorp Genetics (formerly Invitae), Labcorp
Classification: Likely pathogenic for Multiple gastrointestinal atresias. Last evaluated: 2023-11-18. Review status: criteria provided, single submitter. Criteria: Invitae Variant Classification Sherloc (09022015). Collection method: clinical testing. Allele origin: germline.
Comment: This sequence change affects a donor splice site in intron 14 of the TTC7A gene. It is expected to disrupt RNA splicing. Variants that disrupt the donor or acceptor splice site typically lead to a loss of protein function (PMID: 16199547), and loss-of-function variants in TTC7A are known to be pathogenic (PMID: 23830146, 24292712). The frequency data for this variant in the population databases is considered unreliable, as metrics indicate poor data quality at this position in the gnomAD database. This variant has not been reported in the literature in individuals affected with TTC7A-related conditions. ClinVar contains an entry for this variant (Variation ID: 1878302). Algorithms developed to predict the effect of sequence changes on RNA splicing suggest that this variant may disrupt the consensus splice site. In summary, the currently available evidence indicates that the variant is pathogenic, but additional data are needed to prove that conclusively. Therefore, this variant has been classified as Likely Pathogenic.

Women's Health and Genetics/Laboratory Corporation of America, LabCorp
Classification: Likely pathogenic for Gastrointestinal defect and immunodeficiency syndrome. Last evaluated: 2022-12-14. Review status: criteria provided, single submitter. Criteria: LabCorp Variant Classification Summary - May 2015. Collection method: clinical testing. Allele origin: germline.
Comment: Variant summary: TTC7A c.1641+1G>A is located in a canonical splice-site and is predicted to affect mRNA splicing resulting in a significantly altered protein due to either exon skipping, shortening, or inclusion of intronic material. Several computational tools predict a significant impact on normal splicing: Four predict the variant abolishes a canonical 5' splicing donor site. However, these predictions have yet to be confirmed by functional studies. The variant allele was found at a frequency of 4.2e-06 in 239842 control chromosomes. To our knowledge, no occurrence of c.1641+1G>A in individuals affected with Gastrointestinal Defects And Immunodeficiency Syndrome and no experimental evidence demonstrating its impact on protein function have been reported. No clinical diagnostic laboratories have submitted clinical-significance assessments for this variant to ClinVar after 2014. Based on the evidence outlined above, the variant was classified as likely pathogenic.

Literature cited by the submitters: PubMed 16199547 (cited by Labcorp Genetics (formerly Invitae), Labcorp); PubMed 23830146 (cited by Labcorp Genetics (formerly Invitae), Labcorp); PubMed 24292712 (cited by Labcorp Genetics (formerly Invitae), Labcorp).